The following is an entry in ClinVar:

NM_012079.6(DGAT1):c.1462G>A (p.Ala488Thr)

Gene: DGAT1 (diacylglycerol O-acyltransferase 1; minus strand). Cytogenetic location: 8q24.3.
Variant type: single nucleotide variant.
Coding change: c.1462G>A on transcript NM_012079.6 (MANE Select); coding-DNA position 1462, G replaced by A.
Protein change: p.Ala488Thr; replaces alanine 488 with threonine.
Molecular consequence: missense variant.
Genome position (GRCh38, 1-based): chr8:144,316,559, C>T on the plus strand (G>A on the coding strand, the complement: DGAT1 is on the minus strand). VCF-style: chr8-144316559-C-T. GRCh37 (hg19) VCF-style: chr8-145540222-C-T.
Other names: short protein forms A488T.
Identifiers: ClinVar variation 1363716 (VCV001363716.8), dbSNP rs782022899, ClinGen allele CA4936501.
Genomic context (GRCh38, chr8:144,316,559, plus strand): 5'-GGGCTCTGGCAGCGGGTGTGAGGTGGCAGTGAGAAGCCAGGCCCTCAGGTGCAGCTCAGG[C>T]CTCTGCCGCTGGGGCCTCATAGTTGAGCACGTAGTAGTCGTGGACGTACATGAGGACGGC-3'
Protein context (NP_036211.2, residues 478-488): VLNYEAPAAE[Ala488Thr]

ClinVar aggregate classification (germline): Uncertain significance (1 of 4 stars; one submission).

Allele frequency attached by ClinVar (database versions not stated): gnomAD exomes below 0.00001; ExAC 0.00002.
gnomAD v4.1: 3 of 1,592,440 alleles (0.00019%); no homozygotes.

Submission:

Labcorp Genetics (formerly Invitae), Labcorp
Classification: Uncertain significance. Last evaluated: 2025-07-14. Review status: criteria provided, single submitter. Criteria: Invitae Variant Classification Sherloc (09022015). Collection method: clinical testing. Allele origin: germline.
Comment: This sequence change replaces alanine, which is neutral and non-polar, with threonine, which is neutral and polar, at codon 488 of the DGAT1 protein (p.Ala488Thr). The frequency data for this variant in the population databases is considered unreliable, as metrics indicate poor data quality at this position in the gnomAD database. This variant has not been reported in the literature in individuals affected with DGAT1-related conditions. ClinVar contains an entry for this variant (Variation ID: 1363716). An algorithm developed to predict the effect of missense changes on protein structure and function outputs the following: PolyPhen-2: "Possibly Damaging". The threonine amino acid residue is found in multiple mammalian species, which suggests that this missense change does not adversely affect protein function. In summary, the available evidence is currently insufficient to determine the role of this variant in disease. Therefore, it has been classified as a Variant of Uncertain Significance.